The following is an entry in ClinVar:

NM_004006.3(DMD):c.1879CTT[1] (p.Leu628del)

Gene: DMD (dystrophin; minus strand). Cytogenetic location: Xp21.1.
Variant type: Microsatellite.
Coding change: c.1879CTT[1] on transcript NM_004006.3 (MANE Select); one copy of the 3-base unit CTT starting at c.1879; the reference has two copies in a row; one copy, 3 bases deleted; also written c.1882_1884del.
Protein change: p.Leu628del; deletes leucine 628.
Molecular consequence: inframe deletion.
Genome position (GRCh38, 1-based): chrX:32,565,810-32,565,812, AAG deleted on the plus strand (CTT on the coding strand, the reverse complement: DMD is on the minus strand); deleting any 3 consecutive bases within chrX:32,565,810-32,565,816 gives the same sequence; the position shown is the placement nearest the transcript's 3' end. VCF-style (leftmost placement, unchanged base first): chrX-32565809-AAAG-A. GRCh37 (hg19) VCF-style: chrX-32583926-AAAG-A.
Other names: c.1882_1884del (NM_004006.2, NM_004006.3); c.1882_1884delCTT (NM_004006.3); c.1855CTT[1], p.Leu620del (NM_000109.4); c.1867CTT[1], p.Leu624del (NM_004009.3); c.1510CTT[1], p.Leu505del (NM_004010.3); short protein forms L628del, L620del, L505del, L624del.
Identifiers: ClinVar variation 263735 (VCV000263735.7), dbSNP rs767034345, ClinGen allele CA10379691.

ClinVar aggregate classification (germline): Uncertain significance. Review status: criteria provided, multiple submitters, no conflicts (2 of 4 stars). 5 submissions from 5 submitters: Uncertain significance (4). 1 of the submissions does not count toward it. Last evaluated 2026-06-01.

Conditions:
Duchenne muscular dystrophy (DMD). Also called: MUSCULAR DYSTROPHY, PSEUDOHYPERTROPHIC PROGRESSIVE, DUCHENNE TYPE; Duchenne Muscular Dystrophy (DMD). Identifiers: Orphanet 98896, MedGen C0013264, MONDO:0010679, OMIM 310200.
Cardiovascular phenotype. Identifiers: MedGen CN230736.
Becker muscular dystrophy (BMD). Also called: MUSCULAR DYSTROPHY, PSEUDOHYPERTROPHIC PROGRESSIVE, BECKER TYPE; Becker Muscular Dystrophy (BMD). Identifiers: Orphanet 98895, MedGen C0917713, MONDO:0010311, OMIM 300376.
Cardiomyopathy (CMYO). Also called: Cardiomyopathies. Identifiers: Orphanet 167848, MedGen C0878544, MONDO:0004994, HP:0001638. Inheritance: Various modes of inheritance.
Dystrophin deficiency.

Submissions (5):

Women's Health and Genetics/Laboratory Corporation of America, LabCorp
Classification: Uncertain significance. Last evaluated: 2026-06-01. Review status: criteria provided, single submitter. Criteria: LabCorp Variant Classification Summary - May 2015. Collection method: clinical testing. Allele origin: germline.
Comment: Variant summary: DMD c.1882_1884delCTT (p.Leu628del) results in an in-frame deletion that is predicted to remove one amino acids from the encoded protein. The variant allele was found at a frequency of 5.5e-06 in 183224 control chromosomes. The available data on variant occurrences in the general population are insufficient to allow any conclusion about variant significance. To our knowledge, no occurrence of c.1882_1884delCTT in individuals affected with DMD-related conditions and no experimental evidence demonstrating its impact on protein function have been reported. ClinVar contains an entry for this variant (Variation ID: 263735). Based on the evidence outlined above, the variant was classified as uncertain significance.

Labcorp Genetics (formerly Invitae), Labcorp
Classification: Uncertain significance for Duchenne muscular dystrophy. Last evaluated: 2025-12-08. Review status: criteria provided, single submitter. Criteria: Invitae Variant Classification Sherloc (09022015). Collection method: clinical testing. Allele origin: germline.
Comment: This variant, c.1882_1884del, results in the deletion of 1 amino acid(s) of the DMD protein (p.Leu628del), but otherwise preserves the integrity of the reading frame. This variant is present in population databases (rs767034345, gnomAD 0.008%). This variant has not been reported in the literature in individuals affected with DMD-related conditions. ClinVar contains an entry for this variant (Variation ID: 263735). In summary, the available evidence is currently insufficient to determine the role of this variant in disease. Therefore, it has been classified as a Variant of Uncertain Significance.

3billion
Classification: Uncertain significance for Duchenne muscular dystrophy. Last evaluated: 2023-02-23. Review status: criteria provided, single submitter. Criteria: ACMG Guidelines, 2015. Collection method: clinical testing. Allele origin: unknown. Affected: yes.
Comment: The variant is observed at an extremely low frequency in the gnomAD v2.1.1 dataset (total allele frequency: <0.001%). Inframe deletion located in a nonrepeat region was predicted to change the length of the protein and disrupt normal protein function. Therefore, this variant is classified as VUS according to the recommendation of ACMG/AMP guideline.

Ambry Genetics
Classification: Uncertain significance for Cardiovascular phenotype. Last evaluated: 2013-09-10. Review status: criteria provided, single submitter. Criteria: Ambry Autosomal Dominant and X-Linked criteria (10/2015). Collection method: clinical testing. Allele origin: germline. Observed: 1 variant allele.
Comment: The c.1882_1884delCTT variant (also known as p.L628del) is located in coding exon 16 of the DMD gene. This alteration results from an in-frame deletion of CTT between nucleotide positions 1882 and 1884. This results in the deletion of a leucine residue at codon 628.This variant was not reported in population-based cohorts in the following databases: Database of Single Nucleotide Polymorphisms (dbSNP), the 1000 Genomes Project and the NHLBI Exome Sequencing Project (ESP). In the ESP, this variant was not observed in 6502 samples (13004 alleles) with coverage at these positions.Based on protein sequence alignment, this amino acid position is well conserved in available vertebrate species.Since supporting evidence is limited at this time, the clinical significance of this variant remains unclear.

Natera, Inc.
Classification: Uncertain significance for Becker muscular dystrophy; Cardiomyopathy; Duchenne muscular dystrophy; Dystrophin deficiency. Last evaluated: 2019-06-10. Review status: no assertion criteria provided. Collection method: clinical testing. Allele origin: germline. Not counted in ClinVar's aggregate classification.